The following is an entry in ClinVar:

ClinVar aggregate classification (germline): Uncertain significance. Review status: criteria provided, multiple submitters, no conflicts (2 of 4 stars). 2 submissions from 2 submitters: Uncertain significance (2). Last evaluated 2026-07-01.

Conditions:
Familial thoracic aortic aneurysm and aortic dissection (TAAD). Also called: Thoracic aortic aneurysms and dissections. Identifiers: Orphanet 91387, MedGen C4707243, MONDO:0019625.

Allele frequency attached by ClinVar (database versions not stated): gnomAD exomes below 0.00001.
gnomAD v4.1: 3 of 1,614,210 alleles (0.00019%); highest among the groups gnomAD compares: South Asian, 0.0033%; no homozygotes.

Submissions (2):

Ambry Genetics
Classification: Uncertain significance for Familial thoracic aortic aneurysm and aortic dissection. Last evaluated: 2026-07-01. Review status: criteria provided, single submitter. Criteria: Ambry Variant Classification Scheme 2023. Collection method: clinical testing. Allele origin: germline.
Comment: The p.F1215L variant (also known as c.3645C>G), located in coding exon 26 of the MYH11 gene, results from a C to G substitution at nucleotide position 3645. The phenylalanine at codon 1215 is replaced by leucine, an amino acid with highly similar properties. This amino acid position is conserved. In addition, this alteration is predicted to be tolerated by in silico analysis. Based on the available evidence, the clinical significance of this variant remains unclear.

All of Us Research Program, National Institutes of Health
Classification: Uncertain significance for Familial thoracic aortic aneurysm and aortic dissection. Last evaluated: 2023-10-06. Review status: criteria provided, single submitter. Criteria: ACMG Guidelines, 2015. Collection method: clinical testing. Allele origin: germline. Inheritance: Autosomal dominant inheritance. Observed: 1 variant allele, 1 heterozygote.
Comment: This missense variant replaces phenylalanine with leucine at codon 1222 of the MYH11 protein. Computational prediction suggests that this variant may not impact protein structure and function (internally defined REVEL score threshold <= 0.5, PMID: 27666373). To our knowledge, functional studies have not been reported for this variant. This variant has not been reported in individuals affected with MYH11-related disorders in the literature. This variant has not been identified in the general population by the Genome Aggregation Database (gnomAD). The available evidence is insufficient to determine the role of this variant in disease conclusively. Therefore, this variant is classified as a Variant of Uncertain Significance.

This study involves interpretation of variants in research participants for the purpose of population health screening. Participant phenotype was not available at the time of variant classification. Additional details can be found in publication PMID: 35346344, PMCID: PMC8962531

NM_002474.3(MYH11):c.3645C>G (p.Phe1215Leu)

Gene: MYH11 (myosin heavy chain 11; minus strand). Cytogenetic location: 16p13.11.
Variant type: single nucleotide variant.
Coding change: c.3645C>G on transcript NM_002474.3 (MANE Select); coding-DNA position 3645, C replaced by G.
Protein change: p.Phe1215Leu; replaces phenylalanine 1215 with leucine.
Molecular consequence: missense variant.
Genome position (GRCh38, 1-based): chr16:15,732,570, G>C on the plus strand (C>G on the coding strand, the complement: MYH11 is on the minus strand). VCF-style: chr16-15732570-G-C. GRCh37 (hg19) VCF-style: chr16-15826427-G-C.
Other names: c.3666C>G, p.Phe1222Leu (NM_001040113.2, NM_001040114.2); c.3645C>G, p.Phe1215Leu (NM_022844.3); c.3645C>G (NM_002474.2); short protein forms F1215L, F1222L.
Identifiers: ClinVar variation 3073760 (VCV003073760.2), dbSNP rs2506170256, ClinGen allele CA394860980.